The following is an entry in ClinVar:

NM_177438.3(DICER1):c.3744C>G (p.Asn1248Lys)

Gene: DICER1 (dicer 1, ribonuclease III; minus strand). Cytogenetic location: 14q32.13.
Variant type: single nucleotide variant.
Coding change: c.3744C>G on transcript NM_177438.3 (MANE Select); coding-DNA position 3744, C replaced by G.
Protein change: p.Asn1248Lys; replaces asparagine 1248 with lysine.
Molecular consequence: missense variant. On other transcripts: non-coding transcript variant (6).
Genome position (GRCh38, 1-based): chr14:95,103,652, G>C on the plus strand (C>G on the coding strand, the complement: DICER1 is on the minus strand). VCF-style: chr14-95103652-G-C. GRCh37 (hg19) VCF-style: chr14-95569989-G-C.
Other names: c.3744C>G, p.Asn1248Lys (NM_001195573.1, NM_001271282.3, NM_001291628.2 and 12 more transcripts); c.3462C>G, p.Asn1154Lys (NM_001395686.1); c.3339C>G, p.Asn1113Lys (NM_001395687.1, NM_001395688.1, NM_001395689.1 and 2 more transcripts); c.3177C>G, p.Asn1059Lys (NM_001395691.1); c.2061C>G, p.Asn687Lys (NM_001395697.1); short protein forms N1059K, N1113K, N1154K, N1248K, N687K.
Identifiers: ClinVar variation 3271986 (VCV003271986.1).

ClinVar aggregate classification (germline): Uncertain significance (1 of 4 stars; one submission).

Conditions:
Hereditary cancer-predisposing syndrome. Also called: Tumor predisposition; Hereditary Cancer Syndrome; Hereditary neoplastic syndrome; Neoplastic Syndromes, Hereditary. Identifiers: Orphanet 140162, MedGen C0027672, MeSH D009386, MONDO:0015356.

Submission:

Ambry Genetics
Classification: Uncertain significance for Hereditary cancer-predisposing syndrome. Last evaluated: 2024-03-22. Review status: criteria provided, single submitter. Criteria: Ambry Variant Classification Scheme 2023. Collection method: clinical testing. Allele origin: germline.
Comment: The p.N1248K variant (also known as c.3744C>G), located in coding exon 20 of the DICER1 gene, results from a C to G substitution at nucleotide position 3744. The asparagine at codon 1248 is replaced by lysine, an amino acid with similar properties. This amino acid position is conserved. In addition, this alteration is predicted to be tolerated by in silico analysis. Based on the available evidence, the clinical significance of this alteration remains unclear.